The following is an entry in ClinVar:

ClinVar aggregate classification (germline): Uncertain significance (1 of 4 stars; one submission).

Conditions:
Hereditary cancer-predisposing syndrome. Also called: Hereditary neoplastic syndrome; Neoplastic Syndromes, Hereditary; Hereditary Cancer Syndrome; Tumor predisposition. Identifiers: Orphanet 140162, MedGen C0027672, MeSH D009386, MONDO:0015356.

gnomAD v4.1: 1 of 1,589,120 alleles (0.000063%); highest among the groups gnomAD compares: Non-Finnish European, 0.000086%; no homozygotes.

Submission:

Labcorp Genetics (formerly Invitae), Labcorp
Classification: Uncertain significance for Hereditary cancer-predisposing syndrome. Last evaluated: 2022-08-16. Review status: criteria provided, single submitter. Criteria: Invitae Variant Classification Sherloc (09022015). Collection method: clinical testing. Allele origin: germline.
Comment: ClinVar contains an entry for this variant (Variation ID: 966493). Algorithms developed to predict the effect of missense changes on protein structure and function are either unavailable or do not agree on the potential impact of this missense change (SIFT: "Deleterious"; PolyPhen-2: "Possibly Damaging"; Align-GVGD: "Class C0"). This sequence change replaces valine, which is neutral and non-polar, with phenylalanine, which is neutral and non-polar, at codon 72 of the RAD50 protein (p.Val72Phe). This variant has not been reported in the literature in individuals affected with RAD50-related conditions. This variant is present in population databases (no rsID available, gnomAD 0.0009%). In summary, the available evidence is currently insufficient to determine the role of this variant in disease. Therefore, it has been classified as a Variant of Uncertain Significance. Algorithms developed to predict the effect of sequence changes on RNA splicing suggest that this variant may disrupt the consensus splice site.

NM_005732.4(RAD50):c.214G>T (p.Val72Phe)

Gene: RAD50 (RAD50 double strand break repair protein; plus strand). Cytogenetic location: 5q31.1.
Variant type: single nucleotide variant.
Coding change: c.214G>T on transcript NM_005732.4 (MANE Select); coding-DNA position 214, G replaced by T.
Protein change: p.Val72Phe; replaces valine 72 with phenylalanine.
Molecular consequence: missense variant.
Genome position (GRCh38, 1-based): chr5:132,575,777, G>T. VCF-style: chr5-132575777-G-T. GRCh37 (hg19) VCF-style: chr5-131911469-G-T.
Other names: short protein forms V72F.
Identifiers: ClinVar variation 966493 (VCV000966493.10), dbSNP rs118029772, ClinGen allele CA360930039.